The following is an entry in ClinVar:

NM_001276345.2(TNNT2):c.659A>C (p.Lys220Thr)

Gene: TNNT2 (troponin T2, cardiac type; minus strand). Cytogenetic location: 1q32.1.
Variant type: single nucleotide variant.
Coding change: c.659A>C on transcript NM_001276345.2 (MANE Select); coding-DNA position 659, A replaced by C.
Protein change: p.Lys220Thr; replaces lysine 220 with threonine.
Molecular consequence: missense variant.
Genome position (GRCh38, 1-based): chr1:201,361,973, T>G on the plus strand (A>C on the coding strand, the complement: TNNT2 is on the minus strand). VCF-style: chr1-201361973-T-G. GRCh37 (hg19) VCF-style: chr1-201331101-T-G.
Other names: c.650A>C, p.Lys217Thr (NM_000364.4, NM_001406723.1); c.629A>C, p.Lys210Thr (NM_001001430.3, NM_001276347.2, NM_001406724.1); c.620A>C, p.Lys207Thr (NM_001001431.3, NM_001406726.1, NM_001406727.1); c.611A>C, p.Lys204Thr (NM_001001432.3); c.530A>C, p.Lys177Thr (NM_001276346.2); c.626A>C, p.Lys209Thr (NM_001406725.1); c.614A>C, p.Lys205Thr (NM_001406728.1); short protein forms K204T, K209T, K217T, K207T, K220T, K177T, K205T, K210T.
Identifiers: ClinVar variation 2932354 (VCV002932354.4), dbSNP rs190805300, ClinGen allele CA344203749.

ClinVar aggregate classification (germline): Uncertain significance. Review status: criteria provided, multiple submitters, no conflicts (2 of 4 stars). 2 submissions from 2 submitters: Uncertain significance (2). Last evaluated 2023-02-24.

Conditions:
Hypertrophic cardiomyopathy 2. Also called: TNNT2-Related Familial Hypertrophic Cardiomyopathy. Identifiers: MedGen C1861864, MONDO:0007266, OMIM 115195.
Dilated cardiomyopathy 1D. Identifiers: Orphanet 154, Orphanet 54260, MedGen C1832243, MONDO:0011095, OMIM 601494.
Cardiomyopathy, familial restrictive, 3. Identifiers: Orphanet 75249, MedGen C2676271, MONDO:0012900, OMIM 612422.
Cardiomyopathy (CMYO). Also called: Cardiomyopathies. Identifiers: Orphanet 167848, MedGen C0878544, MONDO:0004994, HP:0001638. Inheritance: Various modes of inheritance.

gnomAD v4.1: 1 of 1,614,016 alleles (0.000062%); highest among the groups gnomAD compares: Admixed American, 0.0017%; no homozygotes.

Submissions (2):

All of Us Research Program, National Institutes of Health
Classification: Uncertain significance for Cardiomyopathy. Last evaluated: 2023-02-24. Review status: criteria provided, single submitter. Criteria: ACMG Guidelines, 2015. Collection method: clinical testing. Allele origin: germline. Inheritance: Autosomal dominant inheritance. Observed: 1 variant allele, 1 heterozygote.
Comment: This missense variant replaces lysine with threonine at codon 210 of the TNNT2 protein. Computational prediction suggests that this variant may have deleterious impact on protein structure and function (internally defined REVEL score threshold >= 0.7, PMID: 27666373). To our knowledge, functional studies have not been reported for this variant. This variant has not been reported in individuals affected with TNNT2-related disorders in the literature. This variant has been identified in 1/251486 chromosomes in the general population by the Genome Aggregation Database (gnomAD). The available evidence is insufficient to determine the role of this variant in disease conclusively. Therefore, this variant is classified as a Variant of Uncertain Significance.

This study involves interpretation of variants in research participants for the purpose of population health screening. Participant phenotype was not available at the time of variant classification. Additional details can be found in publication PMID: 35346344, PMCID: PMC8962531

Labcorp Genetics (formerly Invitae), Labcorp
Classification: Uncertain significance for Cardiomyopathy, familial restrictive, 3; Hypertrophic cardiomyopathy 2; Dilated cardiomyopathy 1D. Last evaluated: 2022-12-23. Review status: criteria provided, single submitter. Criteria: Invitae Variant Classification Sherloc (09022015). Collection method: clinical testing. Allele origin: germline.
Comment: In summary, the available evidence is currently insufficient to determine the role of this variant in disease. Therefore, it has been classified as a Variant of Uncertain Significance. Advanced modeling of protein sequence and biophysical properties (such as structural, functional, and spatial information, amino acid conservation, physicochemical variation, residue mobility, and thermodynamic stability) performed at Invitae indicates that this missense variant is expected to disrupt TNNT2 protein function. This variant has not been reported in the literature in individuals affected with TNNT2-related conditions. This variant is present in population databases (no rsID available, gnomAD 0.003%). This sequence change replaces lysine, which is basic and polar, with threonine, which is neutral and polar, at codon 210 of the TNNT2 protein (p.Lys210Thr).